The following is an entry in ClinVar:

NM_001904.4(CTNNB1):c.1090C>T (p.Gln364Ter)

Gene: CTNNB1 (catenin beta 1; plus strand). Cytogenetic location: 3p22.1.
Variant type: single nucleotide variant.
Coding change: c.1090C>T on transcript NM_001904.4 (MANE Select); coding-DNA position 1090, C replaced by T.
Protein change: p.Gln364Ter; replaces glutamine 364 with a stop codon.
Molecular consequence: nonsense.
Genome position (GRCh38, 1-based): chr3:41,233,349, C>T. VCF-style: chr3-41233349-C-T. GRCh37 (hg19) VCF-style: chr3-41274840-C-T.
Other names: c.1090C>T, p.Gln364Ter (NM_001098209.2, NM_001098210.2); c.1069C>T, p.Gln357Ter (NM_001330729.2); short protein forms Q364*, Q357*.
Identifiers: ClinVar variation 620205 (VCV000620205.1), dbSNP rs1559474040, ClinGen allele CA352232004.

ClinVar aggregate classification (germline): Pathogenic (1 of 4 stars; one submission).

Submission:

GeneDx
Classification: Pathogenic. Last evaluated: 2018-05-18. Review status: criteria provided, single submitter. Criteria: GeneDx Variant Classification (06012015). Collection method: clinical testing. Allele origin: germline. Affected: yes.
Comment: The Q364X variant in the CTNNB1 gene has not been reported previously as a pathogenic variant nor as a benign variant, to our knowledge. This variant is predicted to cause loss of normal protein function either through protein truncation or nonsense-mediated mRNA decay. The Q364X variant is not observed in large population cohorts (Lek et al., 2016). We interpret Q364X as a pathogenic variant.